The following is an entry in ClinVar:

NM_001082486.2(ACD):c.613A>G (p.Thr205Ala)

Gene: ACD (ACD shelterin complex subunit and telomerase recruitment factor; minus strand). Cytogenetic location: 16q22.1.
Variant type: single nucleotide variant.
Coding change: c.613A>G on transcript NM_001082486.2 (MANE Select); coding-DNA position 613, A replaced by G.
Protein change: p.Thr205Ala; replaces threonine 205 with alanine.
Molecular consequence: missense variant.
Genome position (GRCh38, 1-based): chr16:67,658,960, T>C on the plus strand (A>G on the coding strand, the complement: ACD is on the minus strand). VCF-style: chr16-67658960-T-C. GRCh37 (hg19) VCF-style: chr16-67692863-T-C.
Other names: p.Thr205Ala; c.604A>G, p.Thr202Ala (NM_022914.3); c.613A>G, p.Thr205Ala (LRG_1237t1); short protein forms T205A, T202A.
Identifiers: ClinVar variation 542421 (VCV000542421.53), dbSNP rs139438549, ClinGen allele CA8114609.

ClinVar aggregate classification (germline): Conflicting classifications of pathogenicity. Review status: criteria provided, conflicting classifications (1 of 4 stars). 8 submissions from 8 submitters: Uncertain significance (1); Likely benign (6). 1 of the submissions does not count toward it. Last evaluated 2026-08-01.

Conditions:
Dyskeratosis congenita, autosomal dominant 6 (DKCA6). Identifiers: Orphanet 3322, MedGen C4225284, MONDO:0014690, OMIM 616553.
ACD-related disorder. Also called: ACD-related condition.

Allele frequency attached by ClinVar (database versions not stated): gnomAD 0.00084 and 0.00098; 1000 Genomes Project 0.00100; ESP Exome Variant Server 0.00100; 1000 Genomes Project 30x 0.00109; TOPMed 0.00112; gnomAD exomes 0.00125 and 0.00138; ExAC 0.00148.

Submissions (8):

CeGaT Center for Human Genetics Tuebingen
Classification: Likely benign. Last evaluated: 2026-08-01. Review status: criteria provided, single submitter. Criteria: CeGaT Center For Human Genetics Tuebingen Variant Classification Criteria Version 2. Collection method: clinical testing. Allele origin: germline. Affected: yes. Observed: 11 variant alleles.
Comment: ACD: BP4, BS2

Labcorp Genetics (formerly Invitae), Labcorp
Classification: Likely benign for Dyskeratosis congenita, autosomal dominant 6. Last evaluated: 2026-02-01. Review status: criteria provided, single submitter. Criteria: Invitae Variant Classification Sherloc (09022015). Collection method: clinical testing. Allele origin: germline.

Mayo Clinic Laboratories, Mayo Clinic
Classification: Likely benign. Last evaluated: 2025-09-11. Review status: criteria provided, single submitter. Criteria: ACMG Guidelines, 2015. Collection method: clinical testing. Allele origin: germline. Observed: 1 variant allele.
Comment: BS1

Center for Genomic Medicine, Rigshospitalet, Copenhagen University Hospital
Classification: Likely benign. Last evaluated: 2025-03-04. Review status: criteria provided, single submitter. Criteria: ACMG Guidelines, 2015. Collection method: clinical testing. Allele origin: germline.

Blueprint Genetics
Classification: Likely benign. Last evaluated: 2024-11-26. Review status: criteria provided, single submitter. Criteria: ACMG Guidelines, 2015. Collection method: clinical testing. Allele origin: germline.

Institute for Clinical Genetics, University Hospital TU Dresden, University Hospital TU Dresden
Classification: Uncertain significance. Last evaluated: 2021-11-03. Review status: criteria provided, single submitter. Criteria: ACMG Guidelines, 2015. Collection method: clinical testing. Allele origin: germline.

Genetic Services Laboratory, University of Chicago
Classification: Likely benign. Last evaluated: 2020-02-27. Review status: criteria provided, single submitter. Criteria: ACMG Guidelines, 2015. Collection method: clinical testing. Allele origin: germline. Affected: no.

PreventionGenetics, part of Exact Sciences
Classification: Likely benign for ACD-related condition. Last evaluated: 2021-08-18. Review status: no assertion criteria provided. Collection method: clinical testing. Allele origin: germline. Not counted in ClinVar's aggregate classification.
Comment: This variant is classified as likely benign based on ACMG/AMP sequence variant interpretation guidelines (Richards et al. 2015 PMID: 25741868, with internal and published modifications).